The following is an entry in ClinVar:

ClinVar aggregate classification (germline): Uncertain significance (1 of 4 stars; one submission).

Conditions:
Developmental delay, impaired speech, and behavioral abnormalities. Identifiers: MedGen C5561957, MONDO:0859178, OMIM 619475.

Submission:

Dasa
Classification: Uncertain significance for developmental delay, impaired speech, and behavioral abnormalities. Last evaluated: 2026-01-26. Review status: criteria provided, single submitter. Criteria: DASA Assertion Criteria. Collection method: clinical testing. Allele origin: germline.
Comment: NM_003128.3(SPTBN1):c.6370G>A (p.Gly2124Arg) is a missense variant that results in the substitution of glycine with arginine. This variant is rare in population databases. The currently available literature and clinical evidence are not sufficient to establish a definitive association between this variant and the reported condition. Therefore, this variant is classified as a variant of uncertain significance.

NM_003128.3(SPTBN1):c.6370G>A (p.Gly2124Arg)

Gene: SPTBN1 (spectrin beta, non-erythrocytic 1; plus strand). Cytogenetic location: 2p16.2.
Variant type: single nucleotide variant.
Coding change: c.6370G>A on transcript NM_003128.3 (MANE Select); coding-DNA position 6370, G replaced by A.
Protein change: p.Gly2124Arg; replaces glycine 2124 with arginine.
Molecular consequence: missense variant.
Genome position (GRCh38, 1-based): chr2:54,659,949, G>A. VCF-style: chr2-54659949-G-A. GRCh37 (hg19) VCF-style: chr2-54887086-G-A.
Other names: c.6331G>A, p.Gly2111Arg (NM_178313.3); short protein forms G2111R, G2124R.
Identifiers: ClinVar variation 4882032 (VCV004882032.2).